The following is an entry in ClinVar:

NM_000388.4(CASR):c.2904T>G (p.Phe968Leu)

Gene: CASR (calcium sensing receptor; plus strand). Cytogenetic location: 3q21.1.
Variant type: single nucleotide variant.
Coding change: c.2904T>G on transcript NM_000388.4 (MANE Select); coding-DNA position 2904, T replaced by G.
Protein change: p.Phe968Leu; replaces phenylalanine 968 with leucine.
Molecular consequence: missense variant.
Genome position (GRCh38, 1-based): chr3:122,284,858, T>G. VCF-style: chr3-122284858-T-G. GRCh37 (hg19) VCF-style: chr3-122003705-T-G.
Other names: c.2934T>G, p.Phe978Leu (NM_001178065.2); short protein forms F968L, F978L.
Identifiers: ClinVar variation 1966970 (VCV001966970.5), dbSNP rs769965955, ClinGen allele CA354161027.

ClinVar aggregate classification (germline): Uncertain significance (1 of 4 stars; one submission).

Conditions:
Autosomal dominant hypocalcemia 1 (HYPOC1). Also called: HYPOCALCEMIA, FAMILIAL. Identifiers: MedGen C3715128, MONDO:0011013, OMIM 601198.
Familial hypocalciuric hypercalcemia (FHH). Also called: Familial benign hypercalcemia. Identifiers: Orphanet 405, MedGen C1809471, MONDO:0018458.

Submission:

Labcorp Genetics (formerly Invitae), Labcorp
Classification: Uncertain significance for Familial hypocalciuric hypercalcemia; Autosomal dominant hypocalcemia 1. Last evaluated: 2025-02-25. Review status: criteria provided, single submitter. Criteria: Invitae Variant Classification Sherloc (09022015). Collection method: clinical testing. Allele origin: germline.
Comment: This sequence change replaces phenylalanine, which is neutral and non-polar, with leucine, which is neutral and non-polar, at codon 968 of the CASR protein (p.Phe968Leu). This variant is not present in population databases (gnomAD no frequency). This variant has not been reported in the literature in individuals affected with CASR-related conditions. ClinVar contains an entry for this variant (Variation ID: 1966970). An algorithm developed to predict the effect of missense changes on protein structure and function (PolyPhen-2) suggests that this variant is likely to be tolerated. In summary, the available evidence is currently insufficient to determine the role of this variant in disease. Therefore, it has been classified as a Variant of Uncertain Significance.